The following is an entry in ClinVar:

NM_000214.3(JAG1):c.775G>A (p.Gly259Ser)

Gene: JAG1 (jagged canonical Notch ligand 1; minus strand). Cytogenetic location: 20p12.2.
Variant type: single nucleotide variant.
Coding change: c.775G>A on transcript NM_000214.3 (MANE Select); coding-DNA position 775, G replaced by A.
Protein change: p.Gly259Ser; replaces glycine 259 with serine.
Molecular consequence: missense variant.
Genome position (GRCh38, 1-based): chr20:10,652,579, C>T on the plus strand (G>A on the coding strand, the complement: JAG1 is on the minus strand). VCF-style: chr20-10652579-C-T. GRCh37 (hg19) VCF-style: chr20-10633227-C-T.
Other names: short protein forms G259S.
Identifiers: ClinVar variation 2586942 (VCV002586942.3), dbSNP rs2514521790, ClinGen allele CA408239448.
Genomic context (GRCh38, chr20:10,652,579, plus strand): 5'-GCTCATTACAGATGCCGTGGACGCATCCCGGGTGTGGGATGCACTTATCACAGTACAGGC[C>T]TTGCCAGCCGTACTGGCACCTGGAGACACACAGCACACCTCCAGGTTAGCCTTTTGAACG-3'
Protein context (NP_000205.1, residues 249-269): GDCRCQYGWQ[Gly259Ser]LYCDKCIPHP

ClinVar aggregate classification (germline): Uncertain significance. Review status: criteria provided, multiple submitters, no conflicts (2 of 4 stars). 2 submissions from 2 submitters: Uncertain significance (2). Last evaluated 2024-03-07.

Conditions:
Alagille syndrome due to a JAG1 point mutation. Also called: JAG1-Related Alagille Syndrome; Alagille Syndrome 1; HEPATIC DUCTULAR HYPOPLASIA, SYNDROMATIC. Identifiers: Orphanet 261619, Orphanet 52, MedGen C1956125, MONDO:0016862, OMIM 118450.
Tetralogy of Fallot (TOF). Identifiers: Orphanet 3303, MedGen C0039685, MONDO:0008542, OMIM 187500, HP:0001636.
Deafness, congenital heart defects, and posterior embryotoxon (DCHE). Identifiers: MedGen C1866053, MONDO:0060713, OMIM 617992.
Charcot-Marie-Tooth disease, axonal, Type 2HH. Also called: CHARCOT-MARIE-TOOTH NEUROPATHY, TYPE 2HH. Identifiers: MedGen C5562003, MONDO:0030458, OMIM 619574.
Cardiovascular phenotype. Identifiers: MedGen CN230736.

Allele frequency attached by ClinVar (database versions not stated): gnomAD exomes below 0.00001.
gnomAD v4.1: 1 of 1,613,980 alleles (0.000062%); highest among the groups gnomAD compares: Non-Finnish European, 0.000085%; no homozygotes.

Submissions (2):

Fulgent Genetics
Classification: Uncertain significance for Alagille syndrome due to a JAG1 point mutation; Tetralogy of Fallot; Deafness, congenital heart defects, and posterior embryotoxon; Charcot-Marie-Tooth disease, axonal, Type 2HH. Last evaluated: 2024-03-07. Review status: criteria provided, single submitter. Criteria: ACMG Guidelines, 2015. Collection method: clinical testing. Allele origin: germline.

Ambry Genetics
Classification: Uncertain significance for Cardiovascular phenotype. Last evaluated: 2023-09-05. Review status: criteria provided, single submitter. Criteria: Ambry Variant Classification Scheme 2023. Collection method: clinical testing. Allele origin: germline.
Comment: The p.G259S variant (also known as c.775G>A), located in coding exon 6 of the JAG1 gene, results from a G to A substitution at nucleotide position 775. The glycine at codon 259 is replaced by serine, an amino acid with similar properties. This amino acid position is conserved. In addition, this alteration is predicted to be deleterious by in silico analysis. Since supporting evidence is limited at this time, the clinical significance of this alteration remains unclear.